The following is an entry in ClinVar:

NM_025137.4(SPG11):c.1168G>A (p.Asp390Asn)

Gene: SPG11 (SPG11 vesicle trafficking associated, spatacsin; minus strand). Cytogenetic location: 15q21.1.
Variant type: single nucleotide variant.
Coding change: c.1168G>A on transcript NM_025137.4 (MANE Select); coding-DNA position 1168, G replaced by A.
Protein change: p.Asp390Asn; replaces aspartic acid 390 with asparagine.
Molecular consequence: missense variant.
Genome position (GRCh38, 1-based): chr15:44,651,779, C>T on the plus strand (G>A on the coding strand, the complement: SPG11 is on the minus strand). VCF-style: chr15-44651779-C-T. GRCh37 (hg19) VCF-style: chr15-44943977-C-T.
Other names: c.1168G>A, p.Asp390Asn (NM_001160227.2); short protein forms D390N.
Identifiers: ClinVar variation 580977 (VCV000580977.13), dbSNP rs747798305, ClinGen allele CA7535602.

ClinVar aggregate classification (germline): Conflicting classifications of pathogenicity. Review status: criteria provided, conflicting classifications (1 of 4 stars). 5 submissions from 5 submitters: Uncertain significance (4); Likely benign (1). Last evaluated 2026-07-01.

Conditions:
SPG11-related disorder. Also called: SPG11-related condition.
Inborn genetic diseases. Identifiers: MedGen C0950123, MeSH D030342.
Hereditary spastic paraplegia 11. Also called: Nakamura Osame syndrome; Spastic Paraplegia 11; SPASTIC PARAPLEGIA, AUTOSOMAL RECESSIVE, COMPLICATED, WITH THIN CORPUS CALLOSUM; SPASTIC PARAPLEGIA, AUTOSOMAL RECESSIVE, WITH MENTAL IMPAIRMENT AND THIN CORPUS CALLOSUM; Autosomal recessive hereditary spastic paraplegia, mental impairment, and thin corpus callosum; Spastic paraplegia, mental retardation and thin corpus callosum. Identifiers: Orphanet 2822, MedGen C1858479, MONDO:0011445, OMIM 604360.

Allele frequency attached by ClinVar (database versions not stated): ExAC 0.00001; gnomAD 0.00003; TOPMed 0.00003.
gnomAD v4.1: 68 of 1,614,042 alleles (0.0042%); highest among the groups gnomAD compares: Middle Eastern, 0.099%; no homozygotes.

Submissions (5):

CeGaT Center for Human Genetics Tuebingen
Classification: Likely benign. Last evaluated: 2026-07-01. Review status: criteria provided, single submitter. Criteria: CeGaT Center For Human Genetics Tuebingen Variant Classification Criteria Version 2. Collection method: clinical testing. Allele origin: germline. Affected: yes. Observed: 1 variant allele.
Comment: SPG11: BP4

PreventionGenetics, part of Exact Sciences
Classification: Uncertain significance for SPG11-related condition. Last evaluated: 2026-05-26. Review status: criteria provided, single submitter. Criteria: ACMG Guidelines, 2015. Collection method: clinical testing. Allele origin: germline.
Comment: The SPG11 c.1168G>A variant is predicted to result in the amino acid substitution p.Asp390Asn. To our knowledge, this variant has not been reported in the literature. This variant is reported in 0.023% of alleles in individuals of Latino descent in gnomAD. At this time, the clinical significance of this variant is uncertain due to the absence of conclusive functional and genetic evidence.

Labcorp Genetics (formerly Invitae), Labcorp
Classification: Uncertain significance for Hereditary spastic paraplegia 11. Last evaluated: 2024-02-17. Review status: criteria provided, single submitter. Criteria: Invitae Variant Classification Sherloc (09022015). Collection method: clinical testing. Allele origin: germline.
Comment: This sequence change replaces aspartic acid, which is acidic and polar, with asparagine, which is neutral and polar, at codon 390 of the SPG11 protein (p.Asp390Asn). This variant is present in population databases (rs747798305, gnomAD 0.02%). This variant has not been reported in the literature in individuals affected with SPG11-related conditions. ClinVar contains an entry for this variant (Variation ID: 580977). An algorithm developed to predict the effect of missense changes on protein structure and function (PolyPhen-2) suggests that this variant¬†is likely to be tolerated. In summary, the available evidence is currently insufficient to determine the role of this variant in disease. Therefore, it has been classified as a Variant of Uncertain Significance.

Ambry Genetics
Classification: Uncertain significance for Inborn genetic diseases. Last evaluated: 2021-01-05. Review status: criteria provided, single submitter. Criteria: Ambry Variant Classification Scheme 2023. Collection method: clinical testing. Allele origin: germline.
Comment: The p.D390N variant (also known as c.1168G>A), located in coding exon 6 of the SPG11 gene, results from a G to A substitution at nucleotide position 1168. The aspartic acid at codon 390 is replaced by asparagine, an amino acid with highly similar properties. This amino acid position is not well conserved in available vertebrate species. In addition, this alteration is predicted to be tolerated by in silico analysis. Since supporting evidence is limited at this time, the clinical significance of this alteration remains unclear.

Breakthrough Genomics
Classification: Uncertain significance. Review status: criteria provided, single submitter. Criteria: ACMG Guidelines, 2015. Collection method: not provided. Allele origin: germline. Inheritance: Autosomal recessive inheritance. Affected: yes.